The following is an entry in ClinVar:

NC_000003.11:g.(?_12629070)_(12660220_?)dup

Gene: RAF1 (Raf-1 proto-oncogene, serine/threonine kinase; minus strand). Cytogenetic location: 3p25.2.
Variant type: Duplication.
Identifiers: ClinVar variation 2424561 (VCV002424561.4).

ClinVar aggregate classification (germline): Uncertain significance (1 of 4 stars; one submission).

Conditions:
RASopathy. Also called: Noonan spectrum disorder; rasopathies. Identifiers: Orphanet 536391, MedGen C5555857, MONDO:0021060.

Submission:

Labcorp Genetics (formerly Invitae), Labcorp
Classification: Uncertain significance for RASopathy. Last evaluated: 2022-07-15. Review status: criteria provided, single submitter. Criteria: Invitae Variant Classification Sherloc (09022015). Collection method: clinical testing. Allele origin: germline.
Comment: In summary, the available evidence is currently insufficient to determine the role of this variant in disease. Therefore, it has been classified as a Variant of Uncertain Significance. Experimental studies and prediction algorithms are not available or were not evaluated, and the functional significance of this variant is currently unknown. This variant has not been reported in the literature in individuals affected with RAF1-related conditions. This variant results in a copy number gain of the genomic region encompassing exon(s) 2-13 of the RAF1 gene. This region includes the initiator codon of the gene. This copy number gain extends beyond the assayed region for this gene and therefore may encompass additional genes. As the precise location of this event is unknown, it may be in tandem or it may be located elsewhere in the genome.